The following is an entry in ClinVar:

NM_130839.5(UBE3A):c.1059T>G (p.Phe353Leu)

Genes: SNHG14 (small nucleolar RNA host gene 14; plus strand), UBE3A (ubiquitin protein ligase E3A; minus strand). Cytogenetic location: 15q11.2.
Variant type: single nucleotide variant.
Coding change: c.1059T>G on transcript NM_130839.5 (MANE Select); coding-DNA position 1059, T replaced by G.
Protein change: p.Phe353Leu; replaces phenylalanine 353 with leucine.
Molecular consequence: missense variant. On other transcripts: non-coding transcript variant (1), intron variant (2).
Genome position (GRCh38, 1-based): chr15:25,371,115, A>C on the plus strand (T>G on the coding strand, the complement: UBE3A is on the minus strand). VCF-style: chr15-25371115-A-C. GRCh37 (hg19) VCF-style: chr15-25616262-A-C.
Other names: c.1068T>G, p.Phe356Leu (NM_000462.5); c.1059T>G, p.Phe353Leu (NM_001354505.1, NM_001354538.2, NM_001354545.2); c.999T>G, p.Phe333Leu (NM_001354506.2, NM_001354507.2, NM_001354508.2 and 17 more transcripts); c.882T>G, p.Phe294Leu (NM_001354546.2); c.301+4350T>G (NM_001354551.2); c.361+4350T>G (NM_001354550.2); short protein forms F294L, F333L, F353L, F356L.
Identifiers: ClinVar variation 1307364 (VCV001307364.2), dbSNP rs768524039, ClinGen allele CA391354452.

ClinVar aggregate classification (germline): Uncertain significance (1 of 4 stars; one submission).

Submission:

GeneDx
Classification: Uncertain significance. Last evaluated: 2019-08-09. Review status: criteria provided, single submitter. Criteria: GeneDx Variant Classification Process June 2021. Collection method: clinical testing. Allele origin: germline. Affected: yes.
Comment: Not observed in large population cohorts (Lek et al., 2016); The majority of missense variants in this gene are considered pathogenic (Stenson et al., 2014); In silico analysis, which includes protein predictors and evolutionary conservation, supports a deleterious effect